The following is an entry in ClinVar:

ClinVar aggregate classification (germline): Uncertain significance. Review status: criteria provided, multiple submitters, no conflicts (2 of 4 stars). 6 submissions from 6 submitters: Uncertain significance (3). 3 of the submissions do not count toward it. Last evaluated 2025-03-03.

Conditions:
Hereditary cancer-predisposing syndrome. Also called: Neoplastic Syndromes, Hereditary; Tumor predisposition; Hereditary Cancer Syndrome; Hereditary neoplastic syndrome. Identifiers: Orphanet 140162, MedGen C0027672, MeSH D009386, MONDO:0015356.
Bloom syndrome (BLM). Also called: Bloom-Torre-Machacek syndrome. Identifiers: Orphanet 125, MedGen C0005859, MONDO:0008876, OMIM 210900.

Allele frequency attached by ClinVar (database versions not stated): gnomAD 0.00001; TOPMed 0.00001; ExAC 0.00002; gnomAD exomes 0.00002.

Submissions (6):

Ambry Genetics
Classification: Uncertain significance for Hereditary cancer-predisposing syndrome. Last evaluated: 2025-03-03. Review status: criteria provided, single submitter. Criteria: Ambry Variant Classification Scheme 2023. Collection method: clinical testing. Allele origin: germline.
Comment: The p.V958M variant (also known as c.2872G>A), located in coding exon 14 of the BLM gene, results from a G to A substitution at nucleotide position 2872. The valine at codon 958 is replaced by methionine, an amino acid with highly similar properties. This amino acid position is highly conserved in available vertebrate species. In addition, this alteration is predicted to be deleterious by in silico analysis. Since supporting evidence is limited at this time, the clinical significance of this alteration remains unclear.

Labcorp Genetics (formerly Invitae), Labcorp
Classification: Uncertain significance for Bloom syndrome. Last evaluated: 2025-01-28. Review status: criteria provided, single submitter. Criteria: Invitae Variant Classification Sherloc (09022015). Collection method: clinical testing. Allele origin: germline.
Comment: This sequence change replaces valine, which is neutral and non-polar, with methionine, which is neutral and non-polar, at codon 958 of the BLM protein (p.Val958Met). This variant is present in population databases (rs775006576, gnomAD 0.006%). This variant has not been reported in the literature in individuals affected with BLM-related conditions. ClinVar contains an entry for this variant (Variation ID: 650294). Invitae Evidence Modeling of protein sequence and biophysical properties (such as structural, functional, and spatial information, amino acid conservation, physicochemical variation, residue mobility, and thermodynamic stability) indicates that this missense variant is expected to disrupt BLM protein function with a positive predictive value of 80%. In summary, the available evidence is currently insufficient to determine the role of this variant in disease. Therefore, it has been classified as a Variant of Uncertain Significance.

Genome-Nilou Lab
Classification: Uncertain significance for Bloom syndrome. Last evaluated: 2021-07-14. Review status: criteria provided, single submitter. Criteria: ACMG Guidelines, 2015. Collection method: clinical testing. Allele origin: germline. Affected: no.

Natera, Inc.
Classification: Uncertain significance for Bloom syndrome. Last evaluated: 2019-02-19. Review status: no assertion criteria provided. Collection method: clinical testing. Allele origin: germline. Not counted in ClinVar's aggregate classification.

Clinical Genetics DNA and cytogenetics Diagnostics Lab, Erasmus MC, Erasmus Medical Center
Classification: Uncertain significance. Review status: no assertion criteria provided. Collection method: clinical testing. Allele origin: germline. Affected: yes. Study: VKGL Data-share Consensus. Not counted in ClinVar's aggregate classification.

Joint Genome Diagnostic Labs from Nijmegen and Maastricht, Radboudumc and MUMC+
Classification: Uncertain significance. Review status: no assertion criteria provided. Collection method: clinical testing. Allele origin: germline. Affected: yes. Study: VKGL Data-share Consensus. Not counted in ClinVar's aggregate classification.

NM_000057.4(BLM):c.2872G>A (p.Val958Met)

Gene: BLM (BLM RecQ like helicase; plus strand). Cytogenetic location: 15q26.1.
Variant type: single nucleotide variant.
Coding change: c.2872G>A on transcript NM_000057.4 (MANE Select); coding-DNA position 2872, G replaced by A.
Protein change: p.Val958Met; replaces valine 958 with methionine.
Molecular consequence: missense variant.
Genome position (GRCh38, 1-based): chr15:90,790,697, G>A. VCF-style: chr15-90790697-G-A. GRCh37 (hg19) VCF-style: chr15-91333927-G-A.
Other names: c.2872G>A, p.Val958Met (NM_001287246.2, NM_001287247.2); c.1747G>A, p.Val583Met (NM_001287248.2); short protein forms V583M, V958M.
Identifiers: ClinVar variation 650294 (VCV000650294.22), dbSNP rs775006576, ClinGen allele CA7738887.
Genomic context (GRCh38, chr15:90,790,697, plus strand): 5'-CTTTTATATCAGGTTATCTGTGCTACAATTGCATTTGGAATGGGGATTGACAAACCGGAC[G>A]TGCGATTTGTGATTCATGCATCTCTCCCTAAATCTGTGGAGGGTTACTACCAAGAATCTG-3'
Protein context (NP_000048.1, residues 948-968): AFGMGIDKPD[Val958Met]RFVIHASLPK